The following is an entry in ClinVar:

ClinVar aggregate classification (germline): Conflicting classifications of pathogenicity. Review status: criteria provided, conflicting classifications (1 of 4 stars). 3 submissions from 3 submitters: Uncertain significance (2); Likely benign (1). Last evaluated 2025-11-13.

Conditions:
Hereditary pancreatitis (PCTT). Also called: Hereditary chronic pancreatitis; PRSS1-Related Hereditary Pancreatitis. Identifiers: Orphanet 676, MedGen C0238339, MONDO:0008185, OMIM 167800.

gnomAD v4.1: 2 of 1,599,374 alleles (0.00013%); highest among the groups gnomAD compares: Non-Finnish European, 0.00017%; no homozygotes.

Submissions (3):

Labcorp Genetics (formerly Invitae), Labcorp
Classification: Uncertain significance for Hereditary pancreatitis. Last evaluated: 2025-11-13. Review status: criteria provided, single submitter. Criteria: Invitae Variant Classification Sherloc (09022015). Collection method: clinical testing. Allele origin: germline.
Comment: This sequence change replaces aspartic acid, which is acidic and polar, with glutamic acid, which is acidic and polar, at codon 162 of the PRSS1 protein (p.Asp162Glu). This variant is not present in population databases (gnomAD no frequency). This variant has not been reported in the literature in individuals affected with PRSS1-related conditions. ClinVar contains an entry for this variant (Variation ID: 1022845). Invitae Evidence Modeling of protein sequence and biophysical properties (such as structural, functional, and spatial information, amino acid conservation, physicochemical variation, residue mobility, and thermodynamic stability) indicates that this missense variant is not expected to disrupt PRSS1 protein function with a negative predictive value of 80%. In summary, the available evidence is currently insufficient to determine the role of this variant in disease. Therefore, it has been classified as a Variant of Uncertain Significance.

Ambry Genetics
Classification: Likely benign for Hereditary pancreatitis. Last evaluated: 2025-07-14. Review status: criteria provided, single submitter. Criteria: Ambry Variant Classification Scheme 2023. Collection method: clinical testing. Allele origin: germline.

Department of Pathology and Laboratory Medicine, Sinai Health System
Classification: Uncertain significance for Hereditary pancreatitis. Last evaluated: 2021-09-09. Review status: criteria provided, single submitter. Criteria: ACMG Guidelines, 2015. Collection method: research. Allele origin: germline.

NM_002769.5(PRSS1):c.486T>G (p.Asp162Glu)

Genes: PRSS1 (serine protease 1; plus strand), TRB (T cell receptor beta locus; plus strand). Cytogenetic location: 7q34.
Variant type: single nucleotide variant.
Coding change: c.486T>G on transcript NM_002769.5 (MANE Select); coding-DNA position 486, T replaced by G.
Protein change: p.Asp162Glu; replaces aspartic acid 162 with glutamic acid.
Molecular consequence: missense variant.
Genome position (GRCh38, 1-based): chr7:142,752,462, T>G. VCF-style: chr7-142752462-T-G. GRCh37 (hg19) VCF-style: chr7-142460313-T-G.
Other names: c.486T>G (NM_002769.4); short protein forms D162E.
Identifiers: ClinVar variation 1022845 (VCV001022845.10), dbSNP rs6666, ClinGen allele CA369609491.
Genomic context (GRCh38, chr7:142,752,462, plus strand): 5'-TTCCTTTGATCTCTTCCTGATCCTCACAGCCGACTACCCAGACGAGCTGCAGTGCCTGGA[T>G]GCTCCTGTGCTGAGCCAGGCTAAGTGTGAAGCCTCCTACCCTGGAAAGATTACCAGCAAC-3'
Protein context (NP_002760.1, residues 152-172): ADYPDELQCL[Asp162Glu]APVLSQAKCE